The following is an entry in ClinVar:

NM_000260.4(MYO7A):c.1874T>C (p.Leu625Pro)

Gene: MYO7A (myosin VIIA; plus strand). Cytogenetic location: 11q13.5.
Variant type: single nucleotide variant.
Coding change: c.1874T>C on transcript NM_000260.4 (MANE Select); coding-DNA position 1874, T replaced by C.
Protein change: p.Leu625Pro; replaces leucine 625 with proline.
Molecular consequence: missense variant.
Genome position (GRCh38, 1-based): chr11:77,172,824, T>C. VCF-style: chr11-77172824-T-C. GRCh37 (hg19) VCF-style: chr11-76883870-T-C.
Other names: c.1874T>C, p.Leu625Pro (NM_001127180.2); c.1841T>C, p.Leu614Pro (NM_001369365.1); short protein forms L614P, L625P.
Identifiers: ClinVar variation 2891552 (VCV002891552.4), dbSNP rs1555077201, ClinGen allele CA381938467.
Genomic context (GRCh38, chr11:77,172,824, plus strand): 5'-AGCGCTCGCCCACACTTAGCAGCCAGTTCAAGCGGTCACTGGAGCTGCTGATGCGCACGC[T>C]GGGTGCCTGCCAGCCCTTCTTTGTGCGATGCATCAAGCCCAATGAGTTCAAGAAGCCCAT-3'
Protein context (NP_000251.3, residues 615-635): KRSLELLMRT[Leu625Pro]GACQPFFVRC

ClinVar aggregate classification (germline): Uncertain significance. Review status: criteria provided, multiple submitters, no conflicts (2 of 4 stars). 2 submissions from 2 submitters: Uncertain significance (2). Last evaluated 2025-03-17.

Allele frequency attached by ClinVar (database versions not stated): gnomAD exomes below 0.00001.
gnomAD v4.1: 1 of 1,552,982 alleles (0.000064%); highest among the groups gnomAD compares: Non-Finnish European, 0.000087%; no homozygotes.

Submissions (2):

Labcorp Genetics (formerly Invitae), Labcorp
Classification: Uncertain significance. Last evaluated: 2025-03-17. Review status: criteria provided, single submitter. Criteria: Invitae Variant Classification Sherloc (09022015). Collection method: clinical testing. Allele origin: germline.
Comment: This sequence change replaces leucine, which is neutral and non-polar, with proline, which is neutral and non-polar, at codon 625 of the MYO7A protein (p.Leu625Pro). The frequency data for this variant in the population databases is considered unreliable, as metrics indicate poor data quality at this position in the gnomAD database. This variant has not been reported in the literature in individuals affected with MYO7A-related conditions. ClinVar contains an entry for this variant (Variation ID: 2891552). Invitae Evidence Modeling of protein sequence and biophysical properties (such as structural, functional, and spatial information, amino acid conservation, physicochemical variation, residue mobility, and thermodynamic stability) indicates that this missense variant is expected to disrupt MYO7A protein function with a positive predictive value of 95%. In summary, the available evidence is currently insufficient to determine the role of this variant in disease. Therefore, it has been classified as a Variant of Uncertain Significance.

Blueprint Genetics
Classification: Uncertain significance. Last evaluated: 2020-12-18. Review status: criteria provided, single submitter. Criteria: ACMG Guidelines, 2015. Collection method: clinical testing. Allele origin: germline.